The following is an entry in ClinVar:

NM_020529.3(NFKBIA):c.228-5dup

Gene: NFKBIA (NFKB inhibitor alpha; minus strand). Cytogenetic location: 14q13.2.
Variant type: Duplication.
Coding change: c.228-5dup on transcript NM_020529.3 (MANE Select); 5 bases into the intron before coding-DNA position 228, one base duplicated (C; older notation c.228-5dupC).
Molecular consequence: intron variant.
Genome position (GRCh38, 1-based): chr14:35,403,803, G duplicated on the plus strand (C on the coding strand, the reverse complement: NFKBIA is on the minus strand); the first of 4 consecutive G bases (chr14:35,403,803-35,403,806); duplicating any one gives the same sequence. VCF-style (leftmost placement, unchanged base first): chr14-35403802-T-TG. GRCh37 (hg19) VCF-style: chr14-35873008-T-TG.
Identifiers: ClinVar variation 3053422 (VCV003053422.2), dbSNP rs746328671, ClinGen allele CA7155544.

ClinVar aggregate classification (germline): Likely benign (0 of 4 stars; one submission).

Conditions:
NFKBIA-related disorder. Also called: NFKBIA-related condition.

Submission:

PreventionGenetics, part of Exact Sciences
Classification: Likely benign for NFKBIA-related condition. Last evaluated: 2023-07-12. Review status: no assertion criteria provided. Collection method: clinical testing. Allele origin: germline.
Comment: This variant is classified as likely benign based on ACMG/AMP sequence variant interpretation guidelines (Richards et al. 2015 PMID: 25741868, with internal and published modifications).